The following is an entry in ClinVar:

NM_004415.4(DSP):c.320T>A (p.Leu107Ter)

Gene: DSP (desmoplakin; plus strand). Cytogenetic location: 6p24.3.
Variant type: single nucleotide variant.
Coding change: c.320T>A on transcript NM_004415.4 (MANE Select); coding-DNA position 320, T replaced by A.
Protein change: p.Leu107Ter; replaces leucine 107 with a stop codon.
Molecular consequence: nonsense.
Genome position (GRCh38, 1-based): chr6:7,558,162, T>A. VCF-style: chr6-7558162-T-A. GRCh37 (hg19) VCF-style: chr6-7558395-T-A.
Other names: c.320T>A, p.Leu107Ter (NM_001008844.3, NM_001319034.2); short protein forms L107*.
Identifiers: ClinVar variation 1075966 (VCV001075966.10), dbSNP rs2113657559, ClinGen allele CA362671189.
Genomic context (GRCh38, chr6:7,558,162, plus strand): 5'-GTGTTTTCTTTCAGGAATTGAAGTATGGAGATGGAATACAACTGACTCGGAGTCGAGAAT[T>A]GGATGAGTGTTTTGCCCAGGCCAATGACCAAATGGAAATCCTCGACAGCTTGATCAGAGA-3'

ClinVar aggregate classification (germline): Pathogenic (1 of 4 stars; one submission).

Conditions:
Arrhythmogenic right ventricular dysplasia 8 (ARVD8). Also called: Arrhythmogenic Right Ventricular Dysplasia/Cardiomyopathy 8; ARRHYTHMOGENIC RIGHT VENTRICULAR DYSPLASIA, FAMILIAL, 8; ARRHYTHMOGENIC RIGHT VENTRICULAR CARDIOMYOPATHY 8. Identifiers: MedGen C1843896, MONDO:0011831, OMIM 607450.
Arrhythmogenic cardiomyopathy with wooly hair and keratoderma. Also called: Carvajal syndrome; PALMOPLANTAR KERATODERMA WITH LEFT VENTRICULAR CARDIOMYOPATHY AND WOOLLY HAIR; Arrhythmogenic cardiomyopathy with woolly hair and keratoderma; Dilated cardiomyopathy with woolly hair and keratoderma. Identifiers: Orphanet 65282, MedGen C1854063, MONDO:0011581, OMIM 605676.

Submission:

Labcorp Genetics (formerly Invitae), Labcorp
Classification: Pathogenic for Arrhythmogenic cardiomyopathy with wooly hair and keratoderma; Arrhythmogenic right ventricular dysplasia 8. Last evaluated: 2020-02-22. Review status: criteria provided, single submitter. Criteria: Invitae Variant Classification Sherloc (09022015). Collection method: clinical testing. Allele origin: germline.
Comment: This sequence change creates a premature translational stop signal (p.Leu107*) in the DSP gene. It is expected to result in an absent or disrupted protein product. For these reasons, this variant has been classified as Pathogenic. Loss-of-function variants in DSP are known to be pathogenic (PMID: 20716751, 24503780, 25227139). This variant has not been reported in the literature in individuals with DSP-related conditions. This variant is not present in population databases (ExAC no frequency).

Literature cited by the submitters: PubMed 20716751; PubMed 24503780; PubMed 25227139.